The following is an entry in ClinVar:

ClinVar aggregate classification (germline): Uncertain significance (1 of 4 stars; one submission).

Conditions:
DiGeorge syndrome. Also called: THIRD AND FOURTH PHARYNGEAL POUCH SYNDROME; Catch22. Identifiers: Orphanet 567, MedGen C0012236, MONDO:0008564, OMIM 188400.

gnomAD v4.1: 5 of 1,614,178 alleles (0.00031%); highest among the groups gnomAD compares: Admixed American, 0.005%; no homozygotes.

Submission:

Labcorp Genetics (formerly Invitae), Labcorp
Classification: Uncertain significance for DiGeorge syndrome. Last evaluated: 2025-03-31. Review status: criteria provided, single submitter. Criteria: Invitae Variant Classification Sherloc (09022015). Collection method: clinical testing. Allele origin: germline.
Comment: This sequence change replaces proline, which is neutral and non-polar, with glutamine, which is neutral and polar, at codon 164 of the TBX1 protein (p.Pro164Gln). This variant is present in population databases (rs766205381, gnomAD 0.009%). This variant has not been reported in the literature in individuals affected with TBX1-related conditions. ClinVar contains an entry for this variant (Variation ID: 1494110). Invitae Evidence Modeling of protein sequence and biophysical properties (such as structural, functional, and spatial information, amino acid conservation, physicochemical variation, residue mobility, and thermodynamic stability) indicates that this missense variant is not expected to disrupt TBX1 protein function with a negative predictive value of 80%. In summary, the available evidence is currently insufficient to determine the role of this variant in disease. Therefore, it has been classified as a Variant of Uncertain Significance.

NM_001379200.1(TBX1):c.518C>A (p.Pro173Gln)

Gene: TBX1 (T-box transcription factor 1; plus strand). Cytogenetic location: 22q11.21.
Variant type: single nucleotide variant.
Coding change: c.518C>A on transcript NM_001379200.1 (MANE Select); coding-DNA position 518, C replaced by A.
Protein change: p.Pro173Gln; replaces proline 173 with glutamine.
Molecular consequence: missense variant.
Genome position (GRCh38, 1-based): chr22:19,763,321, C>A. VCF-style: chr22-19763321-C-A. GRCh37 (hg19) VCF-style: chr22-19750844-C-A.
Other names: c.491C>A, p.Pro164Gln (NM_005992.1, NM_080646.2, NM_080647.1); short protein forms P164Q, P173Q.
Identifiers: ClinVar variation 1494110 (VCV001494110.6), dbSNP rs766205381, ClinGen allele CA10102457.